The following is an entry in ClinVar:

ClinVar aggregate classification (germline): Benign/Likely benign. Review status: criteria provided, multiple submitters, no conflicts (2 of 4 stars). 4 submissions from 4 submitters: Benign (2); Likely benign (2). Last evaluated 2026-07-01.

Allele frequency attached by ClinVar (database versions not stated): gnomAD exomes 0.00042 and 0.00091; ExAC 0.00117; gnomAD 0.00375 and 0.00388; TOPMed 0.00445; ESP Exome Variant Server 0.00446; 1000 Genomes Project 0.00599; 1000 Genomes Project 30x 0.00609.

Submissions (4):

CeGaT Center for Human Genetics Tuebingen
Classification: Likely benign. Last evaluated: 2026-07-01. Review status: criteria provided, single submitter. Criteria: CeGaT Center For Human Genetics Tuebingen Variant Classification Criteria Version 2. Collection method: clinical testing. Allele origin: germline. Affected: yes. Observed: 2 variant alleles.
Comment: SRRM2: BP4, BS1

Blueprint Genetics
Classification: Likely benign. Last evaluated: 2024-11-22. Review status: criteria provided, single submitter. Criteria: ACMG Guidelines, 2015. Collection method: clinical testing. Allele origin: germline.

Labcorp Genetics (formerly Invitae), Labcorp
Classification: Benign. Last evaluated: 2019-12-31. Review status: criteria provided, single submitter. Criteria: Invitae Variant Classification Sherloc (09022015). Collection method: clinical testing. Allele origin: germline.

Breakthrough Genomics
Classification: Benign. Review status: criteria provided, single submitter. Criteria: ACMG Guidelines, 2015. Collection method: not provided. Allele origin: germline. Inheritance: Unknown mechanism. Affected: yes.

NM_016333.4(SRRM2):c.991C>T (p.Pro331Ser)

Gene: SRRM2 (serine/arginine repetitive matrix 2; plus strand). Cytogenetic location: 16p13.3.
Variant type: single nucleotide variant.
Coding change: c.991C>T on transcript NM_016333.4 (MANE Select); coding-DNA position 991, C replaced by T.
Protein change: p.Pro331Ser; replaces proline 331 with serine.
Molecular consequence: missense variant.
Genome position (GRCh38, 1-based): chr16:2,760,458, C>T. VCF-style: chr16-2760458-C-T. GRCh37 (hg19) VCF-style: chr16-2810459-C-T.
Other names: short protein forms P331S.
Identifiers: ClinVar variation 783728 (VCV000783728.11), dbSNP rs79168841, ClinGen allele CA7847099.
Genomic context (GRCh38, chr16:2,760,458, plus strand): 5'-AGTGAACCAGGTACTACCAGCACACAACGGCCTAGTAGCCCGGAGACTGCTACGAAACAG[C>T]CTAGCAGCCCTTATGAAGACAAAGATAAAGACAAGAAGGAGGTATGTTCCTGAGTTGGTG-3'
Protein context (NP_057417.3, residues 321-341): PSSPETATKQ[Pro331Ser]SSPYEDKDKD